The following is an entry in ClinVar:

NM_004168.4(SDHA):c.1190A>G (p.Lys397Arg)

Gene: SDHA (succinate dehydrogenase complex flavoprotein subunit A; plus strand). Cytogenetic location: 5p15.33.
Variant type: single nucleotide variant.
Coding change: c.1190A>G on transcript NM_004168.4 (MANE Select); coding-DNA position 1190, A replaced by G.
Protein change: p.Lys397Arg; replaces lysine 397 with arginine.
Molecular consequence: missense variant.
Genome position (GRCh38, 1-based): chr5:235,269, A>G. VCF-style: chr5-235269-A-G. GRCh37 (hg19) VCF-style: chr5-235384-A-G.
Other names: c.1046A>G, p.Lys349Arg (NM_001294332.2); c.1190A>G, p.Lys397Arg (NM_001330758.2); short protein forms K397R, K349R.
Identifiers: ClinVar variation 486390 (VCV000486390.16), dbSNP rs745798689, ClinGen allele CA359013635.

ClinVar aggregate classification (germline): Uncertain significance. Review status: criteria provided, multiple submitters, no conflicts (2 of 4 stars). 2 submissions from 2 submitters: Uncertain significance (2). Last evaluated 2025-12-03.

Conditions:
Mitochondrial complex II deficiency, nuclear type 1. Also called: SUCCINATE CoQ REDUCTASE DEFICIENCY. Identifiers: Orphanet 3208, MedGen C5700310, MONDO:0100294, OMIM 252011.
Pheochromocytoma/paraganglioma syndrome 5. Also called: Paragangliomas 5; SDHA-Related Hereditary Paraganglioma-Pheochromocytoma Syndrome. Identifiers: Orphanet 29072, MedGen C3279992, MONDO:0013602, OMIM 614165.
Hereditary cancer-predisposing syndrome. Also called: Neoplastic Syndromes, Hereditary; Hereditary Cancer Syndrome; Hereditary neoplastic syndrome; Tumor predisposition. Identifiers: Orphanet 140162, MedGen C0027672, MeSH D009386, MONDO:0015356.

gnomAD v4.1: 2 of 1,614,136 alleles (0.00012%); highest among the groups gnomAD compares: East Asian, 0.0045%; no homozygotes.

Submissions (2):

Labcorp Genetics (formerly Invitae), Labcorp
Classification: Uncertain significance for Pheochromocytoma/paraganglioma syndrome 5; Mitochondrial complex II deficiency, nuclear type 1. Last evaluated: 2025-12-03. Review status: criteria provided, single submitter. Criteria: Invitae Variant Classification Sherloc (09022015). Collection method: clinical testing. Allele origin: germline.
Comment: This sequence change replaces lysine, which is basic and polar, with arginine, which is basic and polar, at codon 397 of the SDHA protein (p.Lys397Arg). This variant is not present in population databases (gnomAD no frequency). This variant has not been reported in the literature in individuals affected with SDHA-related conditions. ClinVar contains an entry for this variant (Variation ID: 486390). Invitae Evidence Modeling of protein sequence and biophysical properties (such as structural, functional, and spatial information, amino acid conservation, physicochemical variation, residue mobility, and thermodynamic stability) indicates that this missense variant is not expected to disrupt SDHA protein function with a negative predictive value of 95%. In summary, the available evidence is currently insufficient to determine the role of this variant in disease. Therefore, it has been classified as a Variant of Uncertain Significance.

Ambry Genetics
Classification: Uncertain significance for Hereditary cancer-predisposing syndrome. Last evaluated: 2016-07-08. Review status: criteria provided, single submitter. Criteria: Ambry Variant Classification Scheme 2023. Collection method: clinical testing. Allele origin: germline.
Comment: The p.K397R variant (also known as c.1190A>G), located in coding exon 9 of the SDHA gene, results from an A to G substitution at nucleotide position 1190. The lysine at codon 397 is replaced by arginine, an amino acid with highly similar properties. This variant was not reported in population based cohorts in the following databases: Database of Single Nucleotide Polymorphisms (dbSNP), NHLBI Exome Sequencing Project (ESP), and 1000 Genomes Project. In the ESP, this variant was not observed in 6503 samples (13006 alleles) with coverage at this position. To date, this alteration has been detected with an allele frequency of approximately 0.005% (greater than 20000 alleles tested) in our clinical cohort. This amino acid position is highly conserved in available vertebrate species. In addition, the in silico prediction for this alteration is inconclusive. Since supporting evidence is limited at this time, the clinical significance of this alteration remains unclear.